The following is an entry in ClinVar:

NM_001377.3(DYNC2H1):c.3404A>T (p.Glu1135Val)

Gene: DYNC2H1 (dynein cytoplasmic 2 heavy chain 1; plus strand). Cytogenetic location: 11q22.3.
Variant type: single nucleotide variant.
Coding change: c.3404A>T on transcript NM_001377.3 (MANE Select); coding-DNA position 3404, A replaced by T.
Protein change: p.Glu1135Val; replaces glutamic acid 1135 with valine.
Molecular consequence: missense variant.
Genome position (GRCh38, 1-based): chr11:103,154,552, A>T. VCF-style: chr11-103154552-A-T. GRCh37 (hg19) VCF-style: chr11-103025281-A-T.
Other names: c.3404A>T, p.Glu1135Val (NM_001080463.2); short protein forms E1135V.
Identifiers: ClinVar variation 3255315 (VCV003255315.1), dbSNP rs2134885195.

ClinVar aggregate classification (germline): Likely pathogenic (1 of 4 stars; one submission).

Conditions:
Jeune thoracic dystrophy. Also called: Jeune syndrome; Infantile thoracic dystrophy; Thoracic pelvic phalangeal dystrophy; Jeune's syndrome; Chondroectodermal dysplasia-like syndrome; Short-rib thoracic dysplasia. Identifiers: Orphanet 474, MedGen C0265275, MONDO:0018770.

Submission:

Rare Disease Group, Clinical Genetics, Karolinska Institutet
Classification: Likely pathogenic for Jeune thoracic dystrophy. Last evaluated: 2024-07-16. Review status: criteria provided, single submitter. Criteria: ACMG Guidelines, 2015. Collection method: clinical testing. Allele origin: maternal. Inheritance: Autosomal recessive inheritance. Affected: yes. Observed: 1 compound heterozygote.
Comment: The variant is absent in gnomAD v2.1.1 and in silico prediction tools indicate that it is deleterious.